The following is an entry in ClinVar:

NM_006563.5(KLF1):c.986A>G (p.His329Arg)

Genes: KLF1 (KLF transcription factor 1; minus strand), LOC117125591 (CRISPRi-FlowFISH-validated PRDX2 and RAD23A regulatory element; plus strand). Cytogenetic location: 19p13.13.
Variant type: single nucleotide variant.
Coding change: c.986A>G on transcript NM_006563.5 (MANE Select); coding-DNA position 986, A replaced by G.
Protein change: p.His329Arg; replaces histidine 329 with arginine.
Molecular consequence: missense variant.
Genome position (GRCh38, 1-based): chr19:12,884,988, T>C on the plus strand (A>G on the coding strand, the complement: KLF1 is on the minus strand). VCF-style: chr19-12884988-T-C. GRCh37 (hg19) VCF-style: chr19-12995802-T-C.
Other names: short protein forms H329R.
Identifiers: ClinVar variation 5018445 (VCV005018445.1).

ClinVar aggregate classification (germline): Uncertain significance (1 of 4 stars; one submission).

Submission:

GeneDx
Classification: Uncertain significance. Last evaluated: 2026-04-06. Review status: criteria provided, single submitter. Criteria: GeneDx Variant Classification Process June 2021. Collection method: clinical testing. Allele origin: germline.
Comment: Not observed at significant frequency in large population cohorts (gnomAD); In silico analysis supports that this missense variant has a deleterious effect on protein structure/function; Reported in association with elevated fetal hemoglobin (PMID: 25976964); This variant is associated with the following publications: (PMID: 25976964)